The following is an entry in ClinVar:

NM_000551.4(VHL):c.597G>A (p.Glu199=)

Genes: VHL (von Hippel-Lindau tumor suppressor; plus strand), LOC107303340 (3p25 von Hippel-Lindau tumor suppressor, E3 ubiquitin protein ligase Alu-mediated recombination region; plus strand). Cytogenetic location: 3p25.3.
Variant type: single nucleotide variant.
Coding change: c.597G>A on transcript NM_000551.4 (MANE Select); coding-DNA position 597, G replaced by A.
Protein change: p.Glu199=; no amino-acid change (glutamic acid 199 retained).
Molecular consequence: synonymous variant. On other transcripts: 3 prime UTR variant (1).
Genome position (GRCh38, 1-based): chr3:10,149,920, G>A. VCF-style: chr3-10149920-G-A. GRCh37 (hg19) VCF-style: chr3-10191604-G-A.
Other names: c.*151G>A (NM_001354723.2); c.474G>A, p.Glu158= (NM_198156.3).
Identifiers: ClinVar variation 826088 (VCV000826088.10), dbSNP rs1387975369, ClinGen allele CA432423837.
Genomic context (GRCh38, chr3:10,149,920, plus strand): 5'-CATCGTCAGGTCGCTCTACGAAGATCTGGAAGACCACCCAAATGTGCAGAAAGACCTGGA[G>A]CGGCTGACACAGGAGCGCATTGCACATCAACGGATGGGAGATTGAAGATTTCTGTTGAAA-3'
Protein context (NP_000542.1, residues 189-209): EDHPNVQKDL[Glu199=]RLTQERIAHQ

ClinVar aggregate classification (germline): Benign/Likely benign. Review status: criteria provided, multiple submitters, no conflicts (2 of 4 stars). 3 submissions from 3 submitters: Benign (1); Likely benign (2). Last evaluated 2025-06-13.

Conditions:
Chuvash polycythemia. Also called: POLYCYTHEMIA, VHL-DEPENDENT. Identifiers: Orphanet 238557, MedGen C1837915, MONDO:0009892, OMIM 263400.
Von Hippel-Lindau syndrome (VHLS). Also called: VHL syndrome; Von Hippel-Lindau; von Hippel–Lindau syndrome. Identifiers: Orphanet 892, MedGen C0019562, MONDO:0008667, OMIM 193300. Disease mechanism: loss of function.
Hereditary cancer-predisposing syndrome. Also called: Neoplastic Syndromes, Hereditary; Hereditary Cancer Syndrome; Hereditary neoplastic syndrome; Tumor predisposition. Identifiers: Orphanet 140162, MedGen C0027672, MeSH D009386, MONDO:0015356.

Allele frequency attached by ClinVar (database versions not stated): gnomAD exomes below 0.00001.
gnomAD v4.1: 1 of 1,614,198 alleles (0.000062%); highest among the groups gnomAD compares: East Asian, 0.0022%; no homozygotes.

Submissions (3):

Myriad Genetics, Inc.
Classification: Benign for Von Hippel-Lindau syndrome. Last evaluated: 2025-06-13. Review status: criteria provided, single submitter. Criteria: Myriad Autosomal Dominant, Autosomal Recessive and X-Linked Classification Criteria (2023). Collection method: clinical testing. Allele origin: unknown.
Comment: This variant is considered benign. This variant is a silent/synonymous amino acid change and it is not expected to impact splicing.

Labcorp Genetics (formerly Invitae), Labcorp
Classification: Likely benign for Von Hippel-Lindau syndrome; Chuvash polycythemia. Last evaluated: 2024-04-16. Review status: criteria provided, single submitter. Criteria: Invitae Variant Classification Sherloc (09022015). Collection method: clinical testing. Allele origin: germline.

Ambry Genetics
Classification: Likely benign for Hereditary cancer-predisposing syndrome. Last evaluated: 2019-05-19. Review status: criteria provided, single submitter. Criteria: Ambry Variant Classification Scheme 2023. Collection method: clinical testing. Allele origin: germline.